The following is an entry in ClinVar:

NC_000008.10:g.(?_99346108)_(100589843_?)del

Genes: KCNS2 (potassium voltage-gated channel modifier subfamily S member 2; plus strand), OSR2 (odd-skipped related transciption factor 2; plus strand), STK3 (serine/threonine kinase 3; minus strand), VPS13B (vacuolar protein sorting 13 homolog B; plus strand). Cytogenetic location: 8q22.2.
Variant type: Deletion.
Identifiers: ClinVar variation 3245482 (VCV003245482.1).

ClinVar aggregate classification (germline): Pathogenic (1 of 4 stars; one submission).

Conditions:
Cohen syndrome (COH1). Also called: Cutis verticis gyrata, retinitis pigmentosa, and sensorineural deafness; PEPPER SYNDROME. Identifiers: Orphanet 193, MedGen C0265223, MONDO:0008999, OMIM 216550.

Submission:

Labcorp Genetics (formerly Invitae), Labcorp
Classification: Pathogenic for Cohen syndrome. Last evaluated: 2019-06-17. Review status: criteria provided, single submitter. Criteria: Invitae Variant Classification Sherloc (09022015). Collection method: clinical testing. Allele origin: unknown.
Comment: This variant is a deletion of the genomic region encompassing 1-32 and part of exon 33 (c.-679497_5278del) of the VPS13B gene, and includes the initiator codon. The 5' end of this event is unknown as it extends beyond the assayed region for this gene and therefore may encompass additional genes. This is expected to result in an absent or disrupted protein product. This variant has not been reported in the literature in individuals with VPS13B-related conditions. Loss-of-function variants in VPS13B are known to be pathogenic (PMID: 15141358, 16648375, 20461111). For these reasons, this variant has been classified as Pathogenic.

Literature cited by the submitters: PubMed 15141358; PubMed 16648375; PubMed 20461111.